The following is an entry in ClinVar:

ClinVar aggregate classification (germline): Likely benign (0 of 4 stars; one submission).

Conditions:
CC2D2A-related disorder. Also called: CC2D2A-related disorders; CC2D2A-related condition. Identifiers: MedGen CN239313.

Allele frequency attached by ClinVar (database versions not stated): TOPMed below 0.00001; gnomAD 0.00001; gnomAD exomes 0.00001.
gnomAD v4.1: 9 of 1,531,384 alleles (0.00059%); highest among the groups gnomAD compares: African/African-American, 0.0014%; no homozygotes.

Submission:

PreventionGenetics, part of Exact Sciences
Classification: Likely benign for CC2D2A-related condition. Last evaluated: 2023-12-08. Review status: no assertion criteria provided. Collection method: clinical testing. Allele origin: germline.
Comment: This variant is classified as likely benign based on ACMG/AMP sequence variant interpretation guidelines (Richards et al. 2015 PMID: 25741868, with internal and published modifications).

NM_001378615.1(CC2D2A):c.123+528T>G

Genes: CC2D2A (coiled-coil and C2 domain containing 2A; plus strand), FBXL5 (F-box and leucine rich repeat protein 5; minus strand). Cytogenetic location: 4p15.32.
Variant type: single nucleotide variant.
Coding change: c.123+528T>G on transcript NM_001378615.1 (MANE Select); 528 bases into the intron after coding-DNA position 123, T replaced by G.
Molecular consequence: intron variant.
Genome position (GRCh38, 1-based): chr4:15,479,334, T>G. VCF-style: chr4-15479334-T-G. GRCh37 (hg19) VCF-style: chr4-15480958-T-G.
Other names: c.123+528T>G (NM_001080522.2, NM_001164720.3); c.229+6T>G (NM_020785.2); c.-25+6T>G (NM_001378617.1).
Identifiers: ClinVar variation 3049315 (VCV003049315.2), dbSNP rs1394812612, ClinGen allele CA549881228.